The following is an entry in ClinVar:

ClinVar aggregate classification (germline): Likely benign (1 of 4 stars; one submission).

Submission:

Laboratory for Molecular Medicine, Mass General Brigham Personalized Medicine
Classification: Likely benign. Last evaluated: 2019-02-01. Review status: criteria provided, single submitter. Criteria: LMM Criteria. Collection method: clinical testing. Allele origin: germline. Observed: 1 variant allele.
Comment: The p.Leu764Leu variant in ADGRV1 is classified as likely benign because it does not alter an amino acid residue, it is not located within the splice consensus sequence, and splice prediction algorithms do not predict a newly created splice site. ACMG/AMP Criteria applied: BP4, BP7.

NM_032119.4(ADGRV1):c.2292A>G (p.Leu764=)

Gene: ADGRV1 (adhesion G protein-coupled receptor V1; plus strand). Cytogenetic location: 5q14.3.
Variant type: single nucleotide variant.
Coding change: c.2292A>G on transcript NM_032119.4 (MANE Select); coding-DNA position 2292, A replaced by G.
Protein change: p.Leu764=; no amino-acid change (leucine 764 retained).
Molecular consequence: synonymous variant. On other transcripts: non-coding transcript variant (1).
Genome position (GRCh38, 1-based): chr5:90,642,687, A>G. VCF-style: chr5-90642687-A-G. GRCh37 (hg19) VCF-style: chr5-89938504-A-G.
Identifiers: ClinVar variation 667069 (VCV000667069.5), dbSNP rs1580561562, ClinGen allele CA445406352.